The following is an entry in ClinVar:

NM_022835.3(PLEKHG2):c.2536C>T (p.Arg846Trp)

Gene: PLEKHG2 (pleckstrin homology and RhoGEF domain containing G2; plus strand). Cytogenetic location: 19q13.2.
Variant type: single nucleotide variant.
Coding change: c.2536C>T on transcript NM_022835.3 (MANE Select); coding-DNA position 2536, C replaced by T.
Protein change: p.Arg846Trp; replaces arginine 846 with tryptophan.
Molecular consequence: missense variant. On other transcripts: intron variant (1).
Genome position (GRCh38, 1-based): chr19:39,423,590, C>T. VCF-style: chr19-39423590-C-T. GRCh37 (hg19) VCF-style: chr19-39914230-C-T.
Other names: c.2359C>T, p.Arg787Trp (NM_001351693.2); c.1677+1302C>T (NM_001351694.2); short protein forms R787W, R846W.
Identifiers: ClinVar variation 2175429 (VCV002175429.4), dbSNP rs377169911, ClinGen allele CA9429802.

ClinVar aggregate classification (germline): Uncertain significance. Review status: criteria provided, multiple submitters, no conflicts (2 of 4 stars). 2 submissions from 2 submitters: Uncertain significance (2). Last evaluated 2025-10-01.

Allele frequency attached by ClinVar (database versions not stated): TOPMed 0.00013; gnomAD 0.00014; ESP Exome Variant Server 0.00015; 1000 Genomes Project 30x 0.00016; 1000 Genomes Project 0.00020; gnomAD exomes 0.00022; ExAC 0.00038.
gnomAD v4.1: 328 of 1,533,070 alleles (0.021%); highest among the groups gnomAD compares: Middle Eastern, 0.035%; no homozygotes.

Submissions (2):

Labcorp Genetics (formerly Invitae), Labcorp
Classification: Uncertain significance. Last evaluated: 2025-10-01. Review status: criteria provided, single submitter. Criteria: Invitae Variant Classification Sherloc (09022015). Collection method: clinical testing. Allele origin: germline.
Comment: This sequence change replaces arginine, which is basic and polar, with tryptophan, which is neutral and slightly polar, at codon 846 of the PLEKHG2 protein (p.Arg846Trp). This variant is present in population databases (rs377169911, gnomAD 0.04%). This variant has not been reported in the literature in individuals affected with PLEKHG2-related conditions. ClinVar contains an entry for this variant (Variation ID: 2175429). An algorithm developed to predict the effect of missense changes on protein structure and function (PolyPhen-2) suggests that this variant is likely to be disruptive. In summary, the available evidence is currently insufficient to determine the role of this variant in disease. Therefore, it has been classified as a Variant of Uncertain Significance.

Women's Health and Genetics/Laboratory Corporation of America, LabCorp
Classification: Uncertain significance. Last evaluated: 2025-06-10. Review status: criteria provided, single submitter. Criteria: LabCorp Variant Classification Summary - May 2015. Collection method: clinical testing. Allele origin: germline.
Comment: Variant summary: PLEKHG2 c.2536C>T (p.Arg846Trp) results in a non-conservative amino acid change in the encoded protein sequence. Algorithms developed to predict the effect of missense changes on protein structure and function are either unavailable or do not agree on the potential impact of this missense change. The variant allele was found at a frequency of 0.00026 in 175870 control chromosomes (gnomAD). This frequency is not significantly higher than estimated for a pathogenic variant in PLEKHG2 causing Leukodystrophy And Acquired Microcephaly With Or Without Dystonia, allowing no conclusion about variant significance. To our knowledge, no occurrence of c.2536C>T in individuals affected with Leukodystrophy And Acquired Microcephaly With Or Without Dystonia and no experimental evidence demonstrating its impact on protein function have been reported. ClinVar contains an entry for this variant (Variation ID: 2175429). Based on the evidence outlined above, the variant was classified as uncertain significance.